The following is an entry in ClinVar:

NM_020223.4(FAM20C):c.426C>T (p.Asp142=)

Gene: FAM20C (FAM20C golgi associated secretory pathway kinase; plus strand). Cytogenetic location: 7p22.3.
Variant type: single nucleotide variant.
Coding change: c.426C>T on transcript NM_020223.4 (MANE Select); coding-DNA position 426, C replaced by T.
Protein change: p.Asp142=; no amino-acid change (aspartic acid 142 retained).
Molecular consequence: synonymous variant.
Genome position (GRCh38, 1-based): chr7:193,625, C>T. VCF-style: chr7-193625-C-T. GRCh37 (hg19) VCF-style: chr7-193625-C-T.
Identifiers: ClinVar variation 1635337 (VCV001635337.16), dbSNP rs777933402, ClinGen allele CA4108906.
Genomic context (GRCh38, chr7:193,625, plus strand): 5'-GGGGCGGGATCCCGGCGCCCTAAGACCCCACGACCCCGCGCACCGGCCGCTGCTGCGAGA[C>T]CCCGGCCCGCGTCGGTCCGAGTCGCCCCCCGGCCCCGGCGGAGACGCCTCCCTCCTGGCC-3'
Protein context (NP_064608.2, residues 132-152): HDPAHRPLLR[Asp142=]PGPRRSESPP

ClinVar aggregate classification (germline): Likely benign. Review status: criteria provided, multiple submitters, no conflicts (2 of 4 stars). 3 submissions from 3 submitters: Likely benign (3). Last evaluated 2025-10-01.

Allele frequency attached by ClinVar (database versions not stated): gnomAD 0.00008 and 0.00009; ExAC 0.00010; TOPMed 0.00010; gnomAD exomes 0.00012.
gnomAD v4.1: 146 of 1,538,986 alleles (0.0095%); highest among the groups gnomAD compares: Middle Eastern, 0.23%; no homozygotes.

Submissions (3):

Labcorp Genetics (formerly Invitae), Labcorp
Classification: Likely benign. Last evaluated: 2025-10-01. Review status: criteria provided, single submitter. Criteria: Invitae Variant Classification Sherloc (09022015). Collection method: clinical testing. Allele origin: germline.

CeGaT Center for Human Genetics Tuebingen
Classification: Likely benign. Last evaluated: 2025-03-01. Review status: criteria provided, single submitter. Criteria: CeGaT Center For Human Genetics Tuebingen Variant Classification Criteria Version 2. Collection method: clinical testing. Allele origin: germline. Affected: yes. Observed: 1 variant allele.
Comment: FAM20C: BP4, BP7

Blueprint Genetics
Classification: Likely benign. Last evaluated: 2024-10-22. Review status: criteria provided, single submitter. Criteria: ACMG Guidelines, 2015. Collection method: clinical testing. Allele origin: germline.